The following is an entry in ClinVar:

NM_000081.4(LYST):c.6256G>A (p.Glu2086Lys)

Gene: LYST (lysosomal trafficking regulator; minus strand). Cytogenetic location: 1q42.3.
Variant type: single nucleotide variant.
Coding change: c.6256G>A on transcript NM_000081.4 (MANE Select); coding-DNA position 6256, G replaced by A.
Protein change: p.Glu2086Lys; replaces glutamic acid 2086 with lysine.
Molecular consequence: missense variant.
Genome position (GRCh38, 1-based): chr1:235,759,597, C>T on the plus strand (G>A on the coding strand, the complement: LYST is on the minus strand). VCF-style: chr1-235759597-C-T. GRCh37 (hg19) VCF-style: chr1-235922897-C-T.
Other names: c.6256G>A, p.Glu2086Lys (NM_001301365.1); short protein forms E2086K.
Identifiers: ClinVar variation 3541449 (VCV003541449.2).

ClinVar aggregate classification (germline): Uncertain significance. Review status: criteria provided, multiple submitters, no conflicts (2 of 4 stars). 2 submissions from 2 submitters: Uncertain significance (2). Last evaluated 2025-04-03.

Conditions:
Inborn genetic diseases. Identifiers: MedGen C0950123, MeSH D030342.

gnomAD v4.1: 4 of 1,611,680 alleles (0.00025%); highest among the groups gnomAD compares: African/African-American, 0.0053%; no homozygotes.

Submissions (2):

GeneDx
Classification: Uncertain significance. Last evaluated: 2025-04-03. Review status: criteria provided, single submitter. Criteria: GeneDx Variant Classification Process June 2021. Collection method: clinical testing. Allele origin: germline. Affected: yes.
Comment: Not observed at significant frequency in large population cohorts (gnomAD); In silico analysis indicates that this missense variant does not alter protein structure/function; Has not been previously published as pathogenic or benign to our knowledge

Ambry Genetics
Classification: Uncertain significance for Inborn genetic diseases. Last evaluated: 2024-11-07. Review status: criteria provided, single submitter. Criteria: Ambry Variant Classification Scheme 2023. Collection method: clinical testing. Allele origin: germline.